The following is an entry in ClinVar:

NM_004415.4(DSP):c.4093C>G (p.Gln1365Glu)

Gene: DSP (desmoplakin; plus strand). Cytogenetic location: 6p24.3.
Variant type: single nucleotide variant.
Coding change: c.4093C>G on transcript NM_004415.4 (MANE Select); coding-DNA position 4093, C replaced by G.
Protein change: p.Gln1365Glu; replaces glutamine 1365 with glutamic acid.
Molecular consequence: missense variant. On other transcripts: intron variant (2).
Genome position (GRCh38, 1-based): chr6:7,580,283, C>G. VCF-style: chr6-7580283-C-G. GRCh37 (hg19) VCF-style: chr6-7580516-C-G.
Other names: c.4050+43C>G (NM_001319034.2); c.3582+511C>G (NM_001008844.3); short protein forms Q1365E.
Identifiers: ClinVar variation 4757044 (VCV004757044.1).

ClinVar aggregate classification (germline): Uncertain significance (1 of 4 stars; one submission).

Conditions:
Cardiomyopathy (CMYO). Also called: Cardiomyopathies. Identifiers: Orphanet 167848, MedGen C0878544, MONDO:0004994, HP:0001638. Inheritance: Various modes of inheritance.

Submission:

Color Diagnostics, LLC DBA Color Health
Classification: Uncertain significance for Cardiomyopathy. Last evaluated: 2025-06-23. Review status: criteria provided, single submitter. Criteria: ACMG Guidelines, 2015. Collection method: clinical testing. Allele origin: germline.
Comment: This missense variant replaces glutamine with glutamic acid at codon 1365 of the DSP protein. Computational prediction suggests that this variant may not impact protein structure and function. To our knowledge, functional studies have not been reported for this variant. This variant has not been reported in individuals affected with DSP-related disorders in the literature. This variant has not been identified in the general population by the Genome Aggregation Database (gnomAD). The available evidence is insufficient to determine the role of this variant in disease conclusively. Therefore, this variant is classified as a Variant of Uncertain Significance.